The following is an entry in ClinVar:

NM_000179.3(MSH6):c.2155A>C (p.Thr719Pro)

Gene: MSH6 (mutS homolog 6; plus strand). Cytogenetic location: 2p16.3.
Variant type: single nucleotide variant.
Coding change: c.2155A>C on transcript NM_000179.3 (MANE Select); coding-DNA position 2155, A replaced by C.
Protein change: p.Thr719Pro; replaces threonine 719 with proline.
Molecular consequence: missense variant. On other transcripts: non-coding transcript variant (5), intron variant (2).
Genome position (GRCh38, 1-based): chr2:47,800,138, A>C. VCF-style: chr2-47800138-A-C. GRCh37 (hg19) VCF-style: chr2-48027277-A-C.
Other names: c.1630A>C, p.Thr544Pro (NM_001406799.1, NM_001406806.1, NM_001406807.1); c.2155A>C, p.Thr719Pro (NM_001406800.1, NM_001406803.1, NM_001406796.1 and 3 more transcripts); c.1858A>C, p.Thr620Pro (NM_001406801.1, NM_001406805.1, NM_001406820.1 and 10 more transcripts); c.2251A>C, p.Thr751Pro (NM_001406802.1, NM_001406795.1); c.2077A>C, p.Thr693Pro (NM_001406804.1); c.1249A>C, p.Thr417Pro (NM_001406823.1, NM_001406829.1, NM_001281493.2 and 6 more transcripts); c.1987A>C, p.Thr663Pro (NM_001406826.1); c.1606+549A>C (NM_001406817.1); and 3 more; short protein forms T544P, T751P, T663P, T693P, T719P, T417P, T589P, T620P.
Identifiers: ClinVar variation 3633944 (VCV003633944.2).

ClinVar aggregate classification (germline): Uncertain significance (1 of 4 stars; one submission).

Conditions:
Hereditary nonpolyposis colorectal neoplasms. Identifiers: MedGen C0009405, MeSH D003123.

Submission:

Labcorp Genetics (formerly Invitae), Labcorp
Classification: Uncertain significance for Hereditary nonpolyposis colorectal neoplasms. Last evaluated: 2024-11-24. Review status: criteria provided, single submitter. Criteria: Invitae Variant Classification Sherloc (09022015). Collection method: clinical testing. Allele origin: germline.
Comment: This sequence change replaces threonine, which is neutral and polar, with proline, which is neutral and non-polar, at codon 719 of the MSH6 protein (p.Thr719Pro). This variant is not present in population databases (gnomAD no frequency). This variant has not been reported in the literature in individuals affected with MSH6-related conditions. Invitae Evidence Modeling of protein sequence and biophysical properties (such as structural, functional, and spatial information, amino acid conservation, physicochemical variation, residue mobility, and thermodynamic stability) indicates that this missense variant is not expected to disrupt MSH6 protein function with a negative predictive value of 95%. In summary, the available evidence is currently insufficient to determine the role of this variant in disease. Therefore, it has been classified as a Variant of Uncertain Significance.